The following is an entry in ClinVar:

NM_153676.4(USH1C):c.2656-106T>C

Gene: USH1C (USH1 protein network component harmonin; minus strand). Cytogenetic location: 11p15.1.
Variant type: single nucleotide variant.
Coding change: c.2656-106T>C on transcript NM_153676.4 (MANE Select); 106 bases into the intron before coding-DNA position 2656, T replaced by C.
Molecular consequence: intron variant.
Genome position (GRCh38, 1-based): chr11:17,494,482, A>G on the plus strand (T>C on the coding strand, the complement: USH1C is on the minus strand). VCF-style: chr11-17494482-A-G. GRCh37 (hg19) VCF-style: chr11-17516029-A-G.
Other names: c.1590-106T>C (NM_001297764.2); c.1647-106T>C (NM_005709.4).
Identifiers: ClinVar variation 675783 (VCV000675783.2), dbSNP rs2072226, ClinGen allele CA15693099.

ClinVar aggregate classification (germline): Benign. Review status: criteria provided, multiple submitters, no conflicts (2 of 4 stars). 2 submissions from 2 submitters: Benign (2). Last evaluated 2018-06-14.

Allele frequency attached by ClinVar (database versions not stated): 1000 Genomes Project 0.14976; gnomAD 0.10996 and 0.11366; TOPMed 0.12122; 1000 Genomes Project 30x 0.14756.
gnomAD v4.1: 143,535 of 1,323,202 alleles (11%); highest among the groups gnomAD compares: East Asian, 32%; 9,438 homozygotes.

Submissions (2):

GeneDx
Classification: Benign. Last evaluated: 2018-06-14. Review status: criteria provided, single submitter. Criteria: GeneDx Variant Classification (06012015). Collection method: clinical testing. Allele origin: germline. Affected: yes.
Comment: This variant is considered likely benign or benign based on one or more of the following criteria: it is a conservative change, it occurs at a poorly conserved position in the protein, it is predicted to be benign by multiple in silico algorithms, and/or has population frequency not consistent with disease.

Breakthrough Genomics
Classification: Benign. Review status: criteria provided, single submitter. Criteria: ACMG Guidelines, 2015. Collection method: not provided. Allele origin: germline. Inheritance: Autosomal recessive inheritance. Affected: yes.